The following is an entry in ClinVar:

NM_000478.6(ALPL):c.1069C>T (p.Arg357Trp)

Gene: ALPL (alkaline phosphatase, biomineralization associated; plus strand). Cytogenetic location: 1p36.12.
Variant type: single nucleotide variant.
Coding change: c.1069C>T on transcript NM_000478.6 (MANE Select); coding-DNA position 1069, C replaced by T.
Protein change: p.Arg357Trp; replaces arginine 357 with tryptophan.
Molecular consequence: missense variant.
Genome position (GRCh38, 1-based): chr1:21,575,804, C>T. VCF-style: chr1-21575804-C-T. GRCh37 (hg19) VCF-style: chr1-21902297-C-T.
Other names: c.904C>T, p.Arg302Trp (NM_001127501.4); c.838C>T, p.Arg280Trp (NM_001177520.3); c.1069C>T, p.Arg357Trp (NM_001369803.2, NM_001369804.2, NM_001369805.2); short protein forms R280W, R302W, R357W.
Identifiers: ClinVar variation 2142491 (VCV002142491.12), dbSNP rs776304194, ClinGen allele CA666727.

ClinVar aggregate classification (germline): Uncertain significance. Review status: criteria provided, multiple submitters, no conflicts (2 of 4 stars). 5 submissions from 5 submitters: Uncertain significance (5). Last evaluated 2026-01-18.

Conditions:
Adult hypophosphatasia. Identifiers: Orphanet 247676, Orphanet 436, MedGen C0268413, MONDO:1010154, OMIM 146300, MONDO:0007798.
Childhood hypophosphatasia. Identifiers: Orphanet 247667, Orphanet 436, MedGen C0220743, MONDO:1010168, OMIM 241510, MONDO:0009428.
Infantile hypophosphatasia. Identifiers: Orphanet 247651, Orphanet 436, MedGen C0268412, MONDO:1010169, OMIM 241500, MONDO:0009427.

Allele frequency attached by ClinVar (database versions not stated): gnomAD 0.00002; gnomAD exomes 0.00002; TOPMed 0.00002; ExAC 0.00003.

Submissions (5):

Labcorp Genetics (formerly Invitae), Labcorp
Classification: Uncertain significance. Last evaluated: 2026-01-18. Review status: criteria provided, single submitter. Criteria: Invitae Variant Classification Sherloc (09022015). Collection method: clinical testing. Allele origin: germline.
Comment: This sequence change replaces arginine, which is basic and polar, with tryptophan, which is neutral and slightly polar, at codon 357 of the ALPL protein (p.Arg357Trp). This variant is present in population databases (rs776304194, gnomAD 0.01%). This missense change has been observed in individual(s) with urinary stone disease (PMID: 34805638). ClinVar contains an entry for this variant (Variation ID: 2142491). Invitae Evidence Modeling of protein sequence and biophysical properties (such as structural, functional, and spatial information, amino acid conservation, physicochemical variation, residue mobility, and thermodynamic stability) has been performed for this missense variant. However, the output from this modeling did not meet the statistical confidence thresholds required to predict the impact of this variant on ALPL protein function. In summary, the available evidence is currently insufficient to determine the role of this variant in disease. Therefore, it has been classified as a Variant of Uncertain Significance.

CeGaT Center for Human Genetics Tuebingen
Classification: Uncertain significance. Last evaluated: 2025-09-01. Review status: criteria provided, single submitter. Criteria: CeGaT Center For Human Genetics Tuebingen Variant Classification Criteria Version 2. Collection method: clinical testing. Allele origin: germline. Affected: yes. Observed: 1 variant allele.

Rare Kidney Stone Consortium and the Mayo Clinic Hyperoxaluria Center, Mayo Clinic
Classification: Uncertain significance for Adult hypophosphatasia; Infantile hypophosphatasia; Childhood hypophosphatasia. Last evaluated: 2025-05-01. Review status: criteria provided, single submitter. Criteria: ACMG Guidelines, 2015. Collection method: research. Allele origin: germline.
Comment: ACMG: PM2

heterozygote

Fulgent Genetics
Classification: Uncertain significance for Adult hypophosphatasia; Infantile hypophosphatasia; Childhood hypophosphatasia. Last evaluated: 2024-03-15. Review status: criteria provided, single submitter. Criteria: ACMG Guidelines, 2015. Collection method: clinical testing. Allele origin: germline.

Blueprint Genetics
Classification: Uncertain significance. Last evaluated: 2023-12-12. Review status: criteria provided, single submitter. Criteria: ACMG Guidelines, 2015. Collection method: clinical testing. Allele origin: germline.

Literature cited by the submitters: PubMed 34805638 (cited by Labcorp Genetics (formerly Invitae), Labcorp and Rare Kidney Stone Consortium and the Mayo Clinic Hyperoxaluria Center, Mayo Clinic).